The following is an entry in ClinVar:

ClinVar aggregate classification (germline): Pathogenic (1 of 4 stars; one submission).

Conditions:
Wolman disease (WOLD). Also called: Acid cholesteryl ester hydrolase deficiency, Wolman type; Acid lipase disease; LYSOSOMAL ACID LIPASE DEFICIENCY, ACUTE INFANTILE; LYSOSOMAL ACID LIPASE DEFICIENCY, COMPLETE; LIPA DEFICIENCY, COMPLETE; LAL DEFICIENCY, COMPLETE. Identifiers: Orphanet 75233, MedGen C0043208, MONDO:0019148, OMIM 620151.

Allele frequency attached by ClinVar (database versions not stated): gnomAD exomes below 0.00001.
gnomAD v4.1: 1 of 1,612,496 alleles (0.000062%); highest among the groups gnomAD compares: Non-Finnish European, 0.000085%; no homozygotes.

Submission:

Labcorp Genetics (formerly Invitae), Labcorp
Classification: Pathogenic for Wolman disease. Last evaluated: 2022-10-07. Review status: criteria provided, single submitter. Criteria: Invitae Variant Classification Sherloc (09022015). Collection method: clinical testing. Allele origin: germline.
Comment: This variant has not been reported in the literature in individuals affected with LIPA-related conditions. For these reasons, this variant has been classified as Pathogenic. This variant disrupts a region of the LIPA protein in which other variant(s) (p.Gly342Arg) have been determined to be pathogenic (PMID: 10562460, 23485521, 24048164, 28881270). This suggests that this is a clinically significant region of the protein, and that variants that disrupt it are likely to be disease-causing. This variant is not present in population databases (gnomAD no frequency). This sequence change creates a premature translational stop signal (p.Tyr328*) in the LIPA gene. While this is not anticipated to result in nonsense mediated decay, it is expected to disrupt the last 72 amino acid(s) of the LIPA protein.

Literature cited by the submitters: PubMed 10562460; PubMed 23485521; PubMed 24048164; PubMed 28881270.

NM_000235.4(LIPA):c.984C>A (p.Tyr328Ter)

Gene: LIPA (lipase A, lysosomal acid type; minus strand). Cytogenetic location: 10q23.31.
Variant type: single nucleotide variant.
Coding change: c.984C>A on transcript NM_000235.4 (MANE Select); coding-DNA position 984, C replaced by A.
Protein change: p.Tyr328Ter; replaces tyrosine 328 with a stop codon.
Molecular consequence: nonsense.
Genome position (GRCh38, 1-based): chr10:89,215,044, G>T on the plus strand (C>A on the coding strand, the complement: LIPA is on the minus strand). VCF-style: chr10-89215044-G-T. GRCh37 (hg19) VCF-style: chr10-90974801-G-T.
Other names: c.984C>A, p.Tyr328Ter (NM_001127605.3); c.636C>A, p.Tyr212Ter (NM_001288979.2); short protein forms Y212*, Y328*.
Identifiers: ClinVar variation 2145326 (VCV002145326.4), dbSNP rs2495555897, ClinGen allele CA377516400.